The following is an entry in ClinVar:

NM_006030.4(CACNA2D2):c.302A>G (p.Asn101Ser)

Gene: CACNA2D2 (calcium voltage-gated channel auxiliary subunit alpha2delta 2; minus strand). Cytogenetic location: 3p21.31.
Variant type: single nucleotide variant.
Coding change: c.302A>G on transcript NM_006030.4 (MANE Select); coding-DNA position 302, A replaced by G.
Protein change: p.Asn101Ser; replaces asparagine 101 with serine.
Molecular consequence: missense variant.
Genome position (GRCh38, 1-based): chr3:50,434,416, T>C on the plus strand (A>G on the coding strand, the complement: CACNA2D2 is on the minus strand). VCF-style: chr3-50434416-T-C. GRCh37 (hg19) VCF-style: chr3-50471847-T-C.
Other names: c.302A>G, p.Asn101Ser (NM_001005505.3, NM_001174051.3, NM_001410768.1); c.95A>G, p.Asn32Ser (NM_001291101.1); short protein forms N101S, N32S.
Identifiers: ClinVar variation 2119486 (VCV002119486.4), dbSNP rs2471148568, ClinGen allele CA353001277.
Genomic context (GRCh38, chr3:50,434,416, plus strand): 5'-CCTGCCACCTTCTCCACCAACTTCTGAGGCTCATTCTCCTGTACCTCGAACAGGTTCCGG[T>C]TGTCCTTGTAAATCTGGAAGGAAGCAGAAGCCAGGGGTGAGACCAGGTGGTCCCACGTCC-3'
Protein context (NP_006021.2, residues 91-111): VQQLREIYKD[Asn101Ser]RNLFEVQENE

ClinVar aggregate classification (germline): Uncertain significance (1 of 4 stars; one submission).

Conditions:
Early-infantile DEE. Also called: Early infantile epileptic encephalopathy; Ohtahara syndrome; Early infantile epileptic encephalopathy with suppression bursts. Identifiers: Orphanet 1934, MedGen C0393706, MONDO:0800491.

Allele frequency attached by ClinVar (database versions not stated): gnomAD exomes below 0.00001.
gnomAD v4.1: 4 of 1,613,950 alleles (0.00025%); highest among the groups gnomAD compares: Non-Finnish European, 0.00034%; no homozygotes.

Submission:

Labcorp Genetics (formerly Invitae), Labcorp
Classification: Uncertain significance for Early-infantile DEE. Last evaluated: 2022-11-15. Review status: criteria provided, single submitter. Criteria: Invitae Variant Classification Sherloc (09022015). Collection method: clinical testing. Allele origin: germline.
Comment: In summary, the available evidence is currently insufficient to determine the role of this variant in disease. Therefore, it has been classified as a Variant of Uncertain Significance. Algorithms developed to predict the effect of missense changes on protein structure and function are either unavailable or do not agree on the potential impact of this missense change (SIFT: "Deleterious"; PolyPhen-2: "Benign"; Align-GVGD: "Class C0"). This variant has not been reported in the literature in individuals affected with CACNA2D2-related conditions. This variant is not present in population databases (gnomAD no frequency). This sequence change replaces asparagine, which is neutral and polar, with serine, which is neutral and polar, at codon 101 of the CACNA2D2 protein (p.Asn101Ser).